The following is an entry in ClinVar:

NM_001364171.2(ODAD1):c.1480C>T (p.Pro494Ser)

Gene: ODAD1 (outer dynein arm docking complex subunit 1; minus strand). Cytogenetic location: 19q13.33.
Variant type: single nucleotide variant.
Coding change: c.1480C>T on transcript NM_001364171.2 (MANE Select); coding-DNA position 1480, C replaced by T.
Protein change: p.Pro494Ser; replaces proline 494 with serine.
Molecular consequence: missense variant.
Genome position (GRCh38, 1-based): chr19:48,298,022, G>A on the plus strand (C>T on the coding strand, the complement: ODAD1 is on the minus strand). VCF-style: chr19-48298022-G-A. GRCh37 (hg19) VCF-style: chr19-48801279-G-A.
Other names: c.1369C>T, p.Pro457Ser (NM_144577.4); short protein forms P457S, P494S.
Identifiers: ClinVar variation 1800378 (VCV001800378.3), dbSNP rs771912701, ClinGen allele CA9548683.

ClinVar aggregate classification (germline): Uncertain significance. Review status: criteria provided, multiple submitters, no conflicts (2 of 4 stars). 2 submissions from 2 submitters: Uncertain significance (2). Last evaluated 2025-06-12.

Conditions:
Primary ciliary dyskinesia. Also called: Ciliary dyskinesia. Identifiers: Orphanet 244, MedGen C0008780, MONDO:0016575, HP:0012265.

Allele frequency attached by ClinVar (database versions not stated): gnomAD exomes below 0.00001; TOPMed below 0.00001; ExAC 0.00001.
gnomAD v4.1: 6 of 1,613,180 alleles (0.00037%); highest among the groups gnomAD compares: East Asian, 0.013%; no homozygotes.

Submissions (2):

Labcorp Genetics (formerly Invitae), Labcorp
Classification: Uncertain significance for Primary ciliary dyskinesia. Last evaluated: 2025-06-12. Review status: criteria provided, single submitter. Criteria: Invitae Variant Classification Sherloc (09022015). Collection method: clinical testing. Allele origin: germline.
Comment: This sequence change replaces proline, which is neutral and non-polar, with serine, which is neutral and polar, at codon 457 of the CCDC114 protein (p.Pro457Ser). This variant is present in population databases (rs771912701, gnomAD 0.01%). This variant has not been reported in the literature in individuals affected with CCDC114-related conditions. ClinVar contains an entry for this variant (Variation ID: 1800378). An algorithm developed to predict the effect of missense changes on protein structure and function (PolyPhen-2) suggests that this variant is likely to be tolerated. In summary, the available evidence is currently insufficient to determine the role of this variant in disease. Therefore, it has been classified as a Variant of Uncertain Significance.

Ambry Genetics
Classification: Uncertain significance for Primary ciliary dyskinesia. Last evaluated: 2018-07-06. Review status: criteria provided, single submitter. Criteria: Ambry Variant Classification Scheme 2023. Collection method: clinical testing. Allele origin: germline.
Comment: The p.P457S variant (also known as c.1369C>T), located in coding exon 11 of the CCDC114 gene, results from a C to T substitution at nucleotide position 1369. The proline at codon 457 is replaced by serine, an amino acid with similar properties. This amino acid position is not well conserved in available vertebrate species. In addition, this alteration is predicted to be tolerated by in silico analysis. Since supporting evidence is limited at this time, the clinical significance of this alteration remains unclear.